The following is an entry in ClinVar:

NM_001134407.3(GRIN2A):c.3311C>T (p.Thr1104Ile)

Gene: GRIN2A (glutamate ionotropic receptor NMDA type subunit 2A; minus strand). Cytogenetic location: 16p13.2.
Variant type: single nucleotide variant.
Coding change: c.3311C>T on transcript NM_001134407.3 (MANE Select); coding-DNA position 3311, C replaced by T.
Protein change: p.Thr1104Ile; replaces threonine 1104 with isoleucine.
Molecular consequence: missense variant.
Genome position (GRCh38, 1-based): chr16:9,764,233, G>A on the plus strand (C>T on the coding strand, the complement: GRIN2A is on the minus strand). VCF-style: chr16-9764233-G-A. GRCh37 (hg19) VCF-style: chr16-9858090-G-A.
Other names: c.3311C>T, p.Thr1104Ile (NM_000833.5, NM_001134408.2); c.3311C>T (NM_000833.3); short protein forms T1104I.
Identifiers: ClinVar variation 934994 (VCV000934994.12), dbSNP rs755577016, ClinGen allele CA277537451.

ClinVar aggregate classification (germline): Conflicting classifications of pathogenicity. Review status: criteria provided, conflicting classifications (1 of 4 stars). 3 submissions from 3 submitters: Uncertain significance (2); Likely benign (1). Last evaluated 2024-05-06.

Conditions:
Inborn genetic diseases. Identifiers: MedGen C0950123, MeSH D030342.
Landau-Kleffner syndrome (FESD). Also called: EPILEPSY, FOCAL, WITH SPEECH DISORDER AND WITH OR WITHOUT MENTAL RETARDATION; APHASIA, ACQUIRED, WITH EPILEPSY. Identifiers: Orphanet 1945, Orphanet 725, Orphanet 98818, MedGen C0282512, MONDO:0009509, OMIM 245570.

Allele frequency attached by ClinVar (database versions not stated): gnomAD exomes below 0.00001 and 0.00001; gnomAD 0.00001; TOPMed below 0.00001.
gnomAD v4.1: 21 of 1,613,796 alleles (0.0013%); highest among the groups gnomAD compares: South Asian, 0.0022%; no homozygotes.

Submissions (3):

Labcorp Genetics (formerly Invitae), Labcorp
Classification: Likely benign for Landau-Kleffner syndrome. Last evaluated: 2024-05-06. Review status: criteria provided, single submitter. Criteria: Invitae Variant Classification Sherloc (09022015). Collection method: clinical testing. Allele origin: germline.

Blueprint Genetics
Classification: Uncertain significance. Last evaluated: 2022-08-24. Review status: criteria provided, single submitter. Criteria: ACMG Guidelines, 2015. Collection method: clinical testing. Allele origin: germline.

Ambry Genetics
Classification: Uncertain significance for Inborn genetic diseases. Last evaluated: 2021-01-08. Review status: criteria provided, single submitter. Criteria: Ambry Variant Classification Scheme 2023. Collection method: clinical testing. Allele origin: germline.
Comment: The c.3311C>T (p.T1104I) alteration is located in exon 14 (coding exon 12) of the GRIN2A gene. This alteration results from a C to T substitution at nucleotide position 3311, causing the threonine (T) at amino acid position 1104 to be replaced by an isoleucine (I). The p.T1104I alteration is predicted to be tolerated by in silico analysis. Based on insufficient or conflicting evidence, the clinical significance of this alteration remains unclear.